The following is an entry in ClinVar:

ClinVar aggregate classification (germline): Pathogenic (1 of 4 stars; one submission).

Conditions:
Congenital sideroblastic anemia-B-cell immunodeficiency-periodic fever-developmental delay syndrome. Also called: Sideroblastic anemia with B-cell immunodeficiency, periodic fevers, and developmental delay. Identifiers: Orphanet 369861, MedGen C4015172, MONDO:0014487, OMIM 616084.

Submission:

Labcorp Genetics (formerly Invitae), Labcorp
Classification: Pathogenic for Congenital sideroblastic anemia-B-cell immunodeficiency-periodic fever-developmental delay syndrome. Last evaluated: 2022-10-27. Review status: criteria provided, single submitter. Criteria: Invitae Variant Classification Sherloc (09022015). Collection method: clinical testing. Allele origin: germline.
Comment: For these reasons, this variant has been classified as Pathogenic. This variant has not been reported in the literature in individuals affected with TRNT1-related conditions. This variant is not present in population databases (gnomAD no frequency). This sequence change creates a premature translational stop signal (p.Ile223Leufs*20) in the TRNT1 gene. It is expected to result in an absent or disrupted protein product. Loss-of-function variants in TRNT1 are known to be pathogenic (PMID: 25193871).

Literature cited by the submitters: PubMed 25193871.

NM_182916.3(TRNT1):c.667del (p.Ile223fs)

Gene: TRNT1 (tRNA nucleotidyl transferase 1; plus strand). Cytogenetic location: 3p26.2.
Variant type: Deletion.
Coding change: c.667del on transcript NM_182916.3 (MANE Select); coding-DNA position 667, one base deleted (A; older notation c.667delA).
Protein change: p.Ile223fs; shifts the reading frame from isoleucine 223.
Molecular consequence: frameshift variant. On other transcripts: non-coding transcript variant (6).
Genome position (GRCh38, 1-based): chr3:3,146,488, A deleted; the last of 2 consecutive A bases (chr3:3,146,487-3,146,488); deleting either gives the same sequence. VCF-style (leftmost placement, unchanged base first): chr3-3146486-CA-C. GRCh37 (hg19) VCF-style: chr3-3188170-CA-C.
Other names: c.667del, p.Ile223fs (NM_001302946.2, NM_001367321.1, NM_001367322.1 and 1 more transcripts); short protein forms I223fs.
Identifiers: ClinVar variation 2809894 (VCV002809894.3), dbSNP rs2471342176, ClinGen allele CA2739277903.